The following is an entry in ClinVar:

NM_003072.5(SMARCA4):c.4904_4905del (p.Gln1635fs)

Gene: SMARCA4 (SWI/SNF related BAF chromatin remodeling complex subunit ATPase 4; plus strand). Cytogenetic location: 19p13.2.
Variant type: Deletion.
Coding change: c.4904_4905del on transcript NM_003072.5 (MANE Select); coding-DNA positions 4904 to 4905, 2 bases deleted (AA; older notation c.4904_4905delAA).
Protein change: p.Gln1635fs; shifts the reading frame from glutamine 1635.
Molecular consequence: frameshift variant. On other transcripts: non-coding transcript variant (1).
Genome position (GRCh38, 1-based): chr19:11,060,180-11,060,181, AA deleted. VCF-style (leftmost placement, unchanged base first): chr19-11060179-CAA-C. GRCh37 (hg19) VCF-style: chr19-11170855-CAA-C.
Other names: c.4904_4905del, p.Gln1635fs (NM_001128844.3); c.4814_4815del, p.Gln1605fs (NM_001128845.2); c.4811_4812del, p.Gln1604fs (NM_001128846.2); c.4805_4806del, p.Gln1602fs (NM_001128847.4, NM_001374457.1); c.4802_4803del, p.Gln1601fs (NM_001128848.2); c.5000_5001del, p.Gln1667fs (NM_001128849.3, NM_001387283.1); short protein forms Q1635fs, Q1601fs, Q1605fs, Q1667fs, Q1602fs, Q1604fs.
Identifiers: ClinVar variation 1461205 (VCV001461205.6), dbSNP rs2147127143, ClinGen allele CA2573155679.

ClinVar aggregate classification (germline): Uncertain significance (1 of 4 stars; one submission).

Conditions:
Rhabdoid tumor predisposition syndrome 2 (RTPS2). Identifiers: Orphanet 231108, Orphanet 69077, MedGen C2750074, MONDO:0013224, OMIM 613325.

Submission:

Labcorp Genetics (formerly Invitae), Labcorp
Classification: Uncertain significance for Rhabdoid tumor predisposition syndrome 2. Last evaluated: 2021-08-28. Review status: criteria provided, single submitter. Criteria: Invitae Variant Classification Sherloc (09022015). Collection method: clinical testing. Allele origin: germline.
Comment: In summary, the available evidence is currently insufficient to determine the role of this variant in disease. Therefore, it has been classified as a Variant of Uncertain Significance. This variant has not been reported in the literature in individuals with SMARCA4-related conditions. This variant is not present in population databases (ExAC no frequency). This sequence change results in a frameshift in the SMARCA4 gene (p.Gln1667Argfs*29). While this is not anticipated to result in nonsense mediated decay, it is expected to disrupt the last 13 amino acid(s) of the SMARCA4 protein and extend the protein by 15 additional amino acid residues.